The following is an entry in ClinVar:

ClinVar aggregate classification (germline): Pathogenic (1 of 4 stars; one submission).

Conditions:
GLUT1 deficiency syndrome 1, autosomal recessive. Identifiers: MedGen C3149117.

Submission:

Labcorp Genetics (formerly Invitae), Labcorp
Classification: Pathogenic for GLUT1 deficiency syndrome 1, autosomal recessive. Last evaluated: 2021-08-05. Review status: criteria provided, single submitter. Criteria: Invitae Variant Classification Sherloc (09022015). Collection method: clinical testing. Allele origin: germline.
Comment: For these reasons, this variant has been classified as Pathogenic. This variant has not been reported in the literature in individuals affected with SLC2A1-related conditions. This variant is not present in population databases (ExAC no frequency). This sequence change creates a premature translational stop signal (p.Glu146*) in the SLC2A1 gene. It is expected to result in an absent or disrupted protein product. Loss-of-function variants in SLC2A1 are known to be pathogenic (PMID: 21832227, 26193382).

Literature cited by the submitters: PubMed 21832227; PubMed 26193382.

NM_006516.4(SLC2A1):c.431dup (p.Gly145_Glu146insTer)

Gene: SLC2A1 (solute carrier family 2 member 1; minus strand). Cytogenetic location: 1p34.2.
Variant type: Duplication.
Coding change: c.431dup on transcript NM_006516.4 (MANE Select); coding-DNA position 431, one base duplicated (T; older notation c.431dupT).
Protein change: p.Gly145_Glu146insTer.
Molecular consequence: frameshift variant.
Genome position (GRCh38, 1-based): chr1:42,930,711, A duplicated on the plus strand (T on the coding strand, the reverse complement: SLC2A1 is on the minus strand). VCF-style (leftmost placement, unchanged base first): chr1-42930710-C-CA. GRCh37 (hg19) VCF-style: chr1-43396381-C-CA.
Identifiers: ClinVar variation 1452381 (VCV001452381.6), dbSNP rs2124450179, ClinGen allele CA2573132303.